The following is an entry in ClinVar:

NM_172107.4(KCNQ2):c.2399del (p.Arg800fs)

Gene: KCNQ2 (potassium voltage-gated channel subfamily Q member 2; minus strand). Cytogenetic location: 20q13.33.
Variant type: Deletion.
Coding change: c.2399del on transcript NM_172107.4 (MANE Select); coding-DNA position 2399, one base deleted (G; older notation c.2399delG).
Protein change: p.Arg800fs; shifts the reading frame from arginine 800.
Molecular consequence: frameshift variant.
Genome position (GRCh38, 1-based): chr20:63,406,864, C deleted on the plus strand (G on the coding strand, the reverse complement: KCNQ2 is on the minus strand). VCF-style (leftmost placement, unchanged base first): chr20-63406863-AC-A. GRCh37 (hg19) VCF-style: chr20-62038216-AC-A.
Other names: c.2453del, p.Arg818fs (NM_001382235.1); c.2315del, p.Arg772fs (NM_004518.6); c.2345del, p.Arg782fs (NM_172106.3); c.2306del, p.Arg769fs (NM_172108.5); short protein forms R782fs, R818fs, R772fs, R769fs, R800fs.
Identifiers: ClinVar variation 2766621 (VCV002766621.3), dbSNP rs2516094689, ClinGen allele CA2697547447.

ClinVar aggregate classification (germline): Pathogenic (1 of 4 stars; one submission).

Conditions:
Early-infantile DEE. Also called: Ohtahara syndrome; Early infantile epileptic encephalopathy; Early infantile epileptic encephalopathy with suppression bursts. Identifiers: Orphanet 1934, MedGen C0393706, MONDO:0800491.

Submission:

Labcorp Genetics (formerly Invitae), Labcorp
Classification: Pathogenic for Early-infantile DEE. Last evaluated: 2023-10-07. Review status: criteria provided, single submitter. Criteria: Invitae Variant Classification Sherloc (09022015). Collection method: clinical testing. Allele origin: germline.
Comment: This sequence change results in a frameshift in the KCNQ2 gene (p.Arg800Leufs*130). While this is not anticipated to result in nonsense mediated decay, it is expected to disrupt the last 73 amino acid(s) of the KCNQ2 protein and extend the protein by 56 additional amino acid residues. This variant is not present in population databases (gnomAD no frequency). This variant has not been reported in the literature in individuals affected with KCNQ2-related conditions. This variant results in an extension of the KCNQ2 protein. Other variant(s) that result in a similarly extended protein product (p.Gly866Alafs*64) have been determined to be pathogenic (PMID: 10482260, 21937445). This suggests that these extensions are likely to be disease-causing. For these reasons, this variant has been classified as Pathogenic.

Literature cited by the submitters: PubMed 10482260; PubMed 21937445.